The following is an entry in ClinVar:

ClinVar aggregate classification (germline): Conflicting classifications of pathogenicity. Review status: criteria provided, conflicting classifications (1 of 4 stars). 2 submissions from 2 submitters: Likely pathogenic (1); Uncertain significance (1). Last evaluated 2025-03-30.

Conditions:
Nemaline myopathy. Also called: Myopathies, Nemaline. Identifiers: Orphanet 607, MedGen C0206157, MONDO:0018958.

Allele frequency attached by ClinVar (database versions not stated): ExAC 0.00001; gnomAD 0.00001; TOPMed 0.00002.
gnomAD v4.1: 68 of 1,613,150 alleles (0.0042%); highest among the groups gnomAD compares: Non-Finnish European, 0.0056%; no homozygotes.

Submissions (2):

Victorian Clinical Genetics Services, Murdoch Childrens Research Institute
Classification: Likely pathogenic for Nemaline myopathy. Last evaluated: 2025-03-30. Review status: criteria provided, single submitter. Criteria: ACMG Guidelines, 2015. Collection method: clinical testing. Allele origin: germline. Affected: no.
Comment: This variant is classified as Likely pathogenic. Evidence in support of pathogenic classification: Splice site variant proven to affect splicing of the transcript with a known effect on protein sequence. Splicing studies for this variant support mis-splicing. Skipping of exon 14 and increased intron 14 retention were detected through semi-quantitative RT-PCR, however, RNA sequencing was not able to be performed to quantify the relative levels of these transcripts (PMID: 29266598); Variant is present in gnomAD <0.01 (v4: 68 heterozygote(s), 0 homozygote(s)). Additional information: This gene is associated with both recessive and dominant disease. Monoallelic variants are associated with arthrogryposis, distal, type 2B2 (MIM#618435) while biallelic variants have been reported in two families with recessive congenital myopathies (PMIDs: 29266598, 33977145). - Alternative nucleotide change(s) at the same canonical splice site, are present in gnomAD (Highest allele count: v4: 1 heterozygote(s), 0 homozygote(s)); Previous reports of pathogenicity for this variant are conflicting. This variant has been classified as a VUS by a clinical laboratory in ClinVar. It has also been reported in a homozygous individual with a nemaline myopathy and distal arthrogryposis (PMID: 29266598); No comparable splice site variants have previous evidence for pathogenicity; Gain of function is a known mechanism of disease in this gene. Missense variants associated with arthrogryposis, distal, type 2B2 (MIM#618435) have been shown to increase calcium ion sensitivity in skeletal muscle (PMID: 17194691). Additionally, loss of function is a suggested mechanism for the recessive myopathy phenotype seen in homozygous individuals, however, this is not well established (PMIDs: 29266598, 33977145).

Labcorp Genetics (formerly Invitae), Labcorp
Classification: Uncertain significance. Last evaluated: 2023-12-18. Review status: criteria provided, single submitter. Criteria: Invitae Variant Classification Sherloc (09022015). Collection method: clinical testing. Allele origin: germline.
Comment: This sequence change affects a donor splice site in intron 14 of the TNNT3 gene. RNA analysis indicates that disruption of this splice site induces altered splicing and may result in an absent or disrupted protein product. However, the current clinical and genetic evidence is not sufficient to establish whether loss-of-function variants in TNNT3 cause disease. This variant is present in population databases (rs113617037, gnomAD 0.002%). Disruption of this splice site has been observed in individual(s) with clinical features of congenital myopathy, in the homozygous state (PMID: 29266598, 35165146). Studies have shown that disruption of this splice site results in skipping of exon 14 and increased levels of intron 14 retention and introduces a premature termination codon (PMID: 29266598). The resulting mRNA is expected to undergo nonsense-mediated decay. In summary, the available evidence is currently insufficient to determine the role of this variant in disease. Therefore, it has been classified as a Variant of Uncertain Significance.

Literature cited by the submitters: PubMed 33977145 (cited by Victorian Clinical Genetics Services, Murdoch Childrens Research Institute); PubMed 17194691 (cited by Victorian Clinical Genetics Services, Murdoch Childrens Research Institute); PubMed 29266598 (cited by Victorian Clinical Genetics Services, Murdoch Childrens Research Institute and Labcorp Genetics (formerly Invitae), Labcorp); PubMed 35165146 (cited by Labcorp Genetics (formerly Invitae), Labcorp).

NM_006757.4(TNNT3):c.681+1G>A

Gene: TNNT3 (troponin T3, fast skeletal type; plus strand). Cytogenetic location: 11p15.5.
Variant type: single nucleotide variant.
Coding change: c.681+1G>A on transcript NM_006757.4 (MANE Select); the canonical splice donor site of the intron after coding-DNA position 681, G replaced by A.
Molecular consequence: splice donor variant.
Genome position (GRCh38, 1-based): chr11:1,934,920, G>A. VCF-style: chr11-1934920-G-A. GRCh37 (hg19) VCF-style: chr11-1956150-G-A.
Other names: c.657+1G>A (NM_001297646.2, NM_001042780.3, NM_001042782.3 and 2 more transcripts); c.714+1G>A (NM_001367846.1); c.690+1G>A (NM_001363561.2, NM_001367847.1); c.675+1G>A (NM_001042781.3, NM_001367843.1, NM_001367842.1); c.678+1G>A (NM_001367848.1); c.624+1G>A (NM_001367850.1); c.477+1G>A (NM_001367851.1, NM_001367852.1); c.669+1G>A (NM_001367849.1).
Identifiers: ClinVar variation 2910257 (VCV002910257.4), dbSNP rs113617037, ClinGen allele CA5816571.